The following is an entry in ClinVar:

ClinVar aggregate classification (germline): Benign/Likely benign. Review status: criteria provided, multiple submitters, no conflicts (2 of 4 stars). 7 submissions from 7 submitters: Benign (1); Likely benign (5). 1 of the submissions does not count toward it. Last evaluated 2026-08-01.

Conditions:
KCNMA1-related disorder. Also called: KCNMA1-related disorders; KCNMA1-related condition.
Generalized epilepsy-paroxysmal dyskinesia syndrome (PNKD3). Also called: Paroxysmal nonkinesigenic dyskinesia, 3, with or without generalized epilepsy; Generalized epilepsy and paroxysmal dyskinesia. Identifiers: Orphanet 79137, MedGen C5574945, MONDO:0012276, OMIM 609446.

Allele frequency attached by ClinVar (database versions not stated): gnomAD 0.00032; TOPMed 0.00045; ESP Exome Variant Server 0.00062; 1000 Genomes Project 30x 0.00094; 1000 Genomes Project 0.00100; ExAC 0.00109.
gnomAD v4.1: 1,015 of 1,543,428 alleles (0.066%); highest among the groups gnomAD compares: Middle Eastern, 0.19%; 3 homozygotes.

Submissions (7):

CeGaT Center for Human Genetics Tuebingen
Classification: Likely benign. Last evaluated: 2026-08-01. Review status: criteria provided, single submitter. Criteria: CeGaT Center For Human Genetics Tuebingen Variant Classification Criteria Version 2. Collection method: clinical testing. Allele origin: germline. Affected: yes. Observed: 15 variant alleles.
Comment: KCNMA1: BP4, BP7

Labcorp Genetics (formerly Invitae), Labcorp
Classification: Likely benign for Generalized epilepsy-paroxysmal dyskinesia syndrome. Last evaluated: 2026-01-26. Review status: criteria provided, single submitter. Criteria: Invitae Variant Classification Sherloc (09022015). Collection method: clinical testing. Allele origin: germline.

Blueprint Genetics
Classification: Likely benign. Last evaluated: 2024-11-08. Review status: criteria provided, single submitter. Criteria: ACMG Guidelines, 2015. Collection method: clinical testing. Allele origin: germline.

Athena Diagnostics
Classification: Benign. Last evaluated: 2017-11-30. Review status: criteria provided, single submitter. Criteria: Athena Diagnostics Criteria. Collection method: clinical testing. Allele origin: germline.

Genetic Services Laboratory, University of Chicago
Classification: Likely benign for AllHighlyPenetrant. Last evaluated: 2013-12-11. Review status: criteria provided, single submitter. Criteria: ACMG Guidelines, 2007. Collection method: clinical testing. Allele origin: germline. Inheritance: Autosomal dominant inheritance.

Breakthrough Genomics
Classification: Likely benign. Review status: criteria provided, single submitter. Criteria: ACMG Guidelines, 2015. Collection method: not provided. Allele origin: germline. Inheritance: Autosomal recessive inheritance. Affected: yes.

PreventionGenetics, part of Exact Sciences
Classification: Likely benign for KCNMA1-related condition. Last evaluated: 2019-03-18. Review status: no assertion criteria provided. Collection method: clinical testing. Allele origin: germline. Not counted in ClinVar's aggregate classification.
Comment: This variant is classified as likely benign based on ACMG/AMP sequence variant interpretation guidelines (Richards et al. 2015 PMID: 25741868, with internal and published modifications).

NM_001161352.2(KCNMA1):c.90C>T (p.His30=)

Gene: KCNMA1 (potassium calcium-activated channel subfamily M alpha 1; minus strand). Cytogenetic location: 10q22.3.
Variant type: single nucleotide variant.
Coding change: c.90C>T on transcript NM_001161352.2 (MANE Select); coding-DNA position 90, C replaced by T.
Protein change: p.His30=; no amino-acid change (histidine 30 retained).
Molecular consequence: synonymous variant.
Genome position (GRCh38, 1-based): chr10:77,637,553, G>A on the plus strand (C>T on the coding strand, the complement: KCNMA1 is on the minus strand). VCF-style: chr10-77637553-G-A. GRCh37 (hg19) VCF-style: chr10-79397311-G-A.
Other names: c.90C>T, p.His30= (NM_001014797.3, NM_001161353.2, NM_001271518.2 and 12 more transcripts).
Identifiers: ClinVar variation 129329 (VCV000129329.53), dbSNP rs75040504, ClinGen allele CA153286.